The following is an entry in ClinVar:

ClinVar aggregate classification (germline): Likely benign (1 of 4 stars; one submission).

Conditions:
PLXNA3-related disorder. Also called: PLXNA3-related condition.

gnomAD v4.1: 4 of 1,200,497 alleles (0.00033%); highest among the groups gnomAD compares: Non-Finnish European, 0.00045%; no homozygotes.

Submission:

PreventionGenetics, part of Exact Sciences
Classification: Likely benign for PLXNA3-related condition. Last evaluated: 2025-04-23. Review status: criteria provided, single submitter. Criteria: ACMG Guidelines, 2015. Collection method: clinical testing. Allele origin: germline.
Comment: This variant is classified as likely benign based on ACMG/AMP sequence variant interpretation guidelines (Richards et al. 2015 PMID: 25741868, with internal and published modifications).

NM_017514.5(PLXNA3):c.1461G>C (p.Pro487=)

Gene: PLXNA3 (plexin A3; plus strand). Cytogenetic location: Xq28.
Variant type: single nucleotide variant.
Coding change: c.1461G>C on transcript NM_017514.5 (MANE Select); coding-DNA position 1461, G replaced by C.
Protein change: p.Pro487=; no amino-acid change (proline 487 retained).
Molecular consequence: synonymous variant.
Genome position (GRCh38, 1-based): chrX:154,463,604, G>C. VCF-style: chrX-154463604-G-C. GRCh37 (hg19) VCF-style: chrX-153691947-G-C.
Identifiers: ClinVar variation 5002447 (VCV005002447.1).